The following is an entry in ClinVar:

NM_145290.4(ADGRA3):c.1001C>T (p.Thr334Met)

Gene: ADGRA3 (adhesion G protein-coupled receptor A3; minus strand). Cytogenetic location: 4p15.2.
Variant type: single nucleotide variant.
Coding change: c.1001C>T on transcript NM_145290.4 (MANE Select); coding-DNA position 1001, C replaced by T.
Protein change: p.Thr334Met; replaces threonine 334 with methionine.
Molecular consequence: missense variant.
Genome position (GRCh38, 1-based): chr4:22,438,340, G>A on the plus strand (C>T on the coding strand, the complement: ADGRA3 is on the minus strand). VCF-style: chr4-22438340-G-A. GRCh37 (hg19) VCF-style: chr4-22439963-G-A.
Other names: c.1001C>T (NM_145290.2); short protein forms T334M.
Identifiers: ClinVar variation 970701 (VCV000970701.11), dbSNP rs1380838808, ClinGen allele CA356482669.

ClinVar aggregate classification (germline): Uncertain significance. Review status: criteria provided, multiple submitters, no conflicts (2 of 4 stars). 2 submissions from 2 submitters: Uncertain significance (2). Last evaluated 2025-09-05.

Allele frequency attached by ClinVar (database versions not stated): TOPMed below 0.00001.
gnomAD v4.1: 10 of 1,612,792 alleles (0.00062%); highest among the groups gnomAD compares: East Asian, 0.0022%; no homozygotes.

Submissions (2):

Ambry Genetics
Classification: Uncertain significance. Last evaluated: 2025-09-05. Review status: criteria provided, single submitter. Criteria: Ambry Variant Classification Scheme 2023. Collection method: clinical testing. Allele origin: germline.

Labcorp Genetics (formerly Invitae), Labcorp
Classification: Uncertain significance. Last evaluated: 2022-09-01. Review status: criteria provided, single submitter. Criteria: Invitae Variant Classification Sherloc (09022015). Collection method: clinical testing. Allele origin: germline.
Comment: This variant is not present in population databases (gnomAD no frequency). In summary, the available evidence is currently insufficient to determine the role of this variant in disease. Therefore, it has been classified as a Variant of Uncertain Significance. Algorithms developed to predict the effect of missense changes on protein structure and function are either unavailable or do not agree on the potential impact of this missense change (SIFT: "Deleterious"; PolyPhen-2: "Probably Damaging"; Align-GVGD: "Class C0"). ClinVar contains an entry for this variant (Variation ID: 970701). This variant has not been reported in the literature in individuals affected with ADGRA3-related conditions. This sequence change replaces threonine, which is neutral and polar, with methionine, which is neutral and non-polar, at codon 334 of the ADGRA3 protein (p.Thr334Met).